The following is an entry in ClinVar:

NM_017780.4(CHD7):c.89C>T (p.Pro30Leu)

Gene: CHD7 (chromodomain helicase DNA binding protein 7; plus strand). Cytogenetic location: 8q12.2.
Variant type: single nucleotide variant.
Coding change: c.89C>T on transcript NM_017780.4 (MANE Select); coding-DNA position 89, C replaced by T.
Protein change: p.Pro30Leu; replaces proline 30 with leucine.
Molecular consequence: missense variant.
Genome position (GRCh38, 1-based): chr8:60,741,521, C>T. VCF-style: chr8-60741521-C-T. GRCh37 (hg19) VCF-style: chr8-61654080-C-T.
Other names: c.89C>T, p.Pro30Leu (NM_001316690.1); short protein forms P30L.
Identifiers: ClinVar variation 910432 (VCV000910432.22), dbSNP rs768014298, ClinGen allele CA4759261.

ClinVar aggregate classification (germline): Conflicting classifications of pathogenicity. Review status: criteria provided, conflicting classifications (1 of 4 stars). 5 submissions from 5 submitters: Uncertain significance (4); Benign (1). Last evaluated 2024-12-04.

Conditions:
Hypogonadotropic hypogonadism 5 with or without anosmia (KAL5). Also called: HYPOGONADOTROPIC HYPOGONADISM 5 WITH ANOSMIA; HYPOGONADOTROPHIC HYPOGONADISM 5 WITHOUT ANOSMIA; CHD7-Related GnRH Deficiency (Kallmann Syndrome 5). Identifiers: Orphanet 478, MedGen C3552553, MONDO:0012880, OMIM 612370. Disease mechanism: loss of function.
CHARGE syndrome (CHARGE). Also called: CHARGE ASSOCIATION--COLOBOMA, HEART ANOMALY, CHOANAL ATRESIA, RETARDATION, GENITAL AND EAR ANOMALIES; Coloboma, heart anomaly, choanal atresia, retardation, genital and ear anomalies; CHARGE association; Hall-Hittner syndrome; Hittner Hirsch Kreh syndrome. Identifiers: Orphanet 138, MedGen C0265354, MONDO:0008965.

Allele frequency attached by ClinVar (database versions not stated): gnomAD exomes below 0.00001; ExAC 0.00001; gnomAD 0.00001; TOPMed 0.00002.
gnomAD v4.1: 17 of 1,612,890 alleles (0.0011%); highest among the groups gnomAD compares: East Asian, 0.0067%; no homozygotes.

Submissions (5):

Labcorp Genetics (formerly Invitae), Labcorp
Classification: Benign for CHARGE syndrome. Last evaluated: 2024-12-04. Review status: criteria provided, single submitter. Criteria: Invitae Variant Classification Sherloc (09022015). Collection method: clinical testing. Allele origin: germline.

CeGaT Center for Human Genetics Tuebingen
Classification: Uncertain significance. Last evaluated: 2024-12-01. Review status: criteria provided, single submitter. Criteria: CeGaT Center For Human Genetics Tuebingen Variant Classification Criteria Version 2. Collection method: clinical testing. Allele origin: germline. Affected: yes. Observed: 1 variant allele.

Women's Health and Genetics/Laboratory Corporation of America, LabCorp
Classification: Uncertain significance. Last evaluated: 2024-10-08. Review status: criteria provided, single submitter. Criteria: LabCorp Variant Classification Summary - May 2015. Collection method: clinical testing. Allele origin: germline.
Comment: Variant summary: CHD7 c.89C>T (p.Pro30Leu) results in a non-conservative amino acid change in the encoded protein sequence. Three of five in-silico tools predict a damaging effect of the variant on protein function. The variant allele was found at a frequency of 4e-06 in 247254 control chromosomes. The available data on variant occurrences in the general population are insufficient to allow any conclusion about variant significance. To our knowledge, no occurrence of c.89C>T in individuals affected with Hypogonadotropic Hypogonadism 5 With Or Without Anosmia and no experimental evidence demonstrating its impact on protein function have been reported. ClinVar contains an entry for this variant (Variation ID: 910432). Based on the evidence outlined above, the variant was classified as uncertain significance.

GeneDx
Classification: Uncertain significance. Last evaluated: 2021-07-27. Review status: criteria provided, single submitter. Criteria: GeneDx Variant Classification Process June 2021. Collection method: clinical testing. Allele origin: germline. Affected: yes.
Comment: In silico analysis supports that this missense variant has a deleterious effect on protein structure/function; Missense variant in a gene in which most reported pathogenic variants are truncating/loss-of-function; Has not been previously published as pathogenic or benign to our knowledge

Illumina Laboratory Services, Illumina
Classification: Uncertain significance for Kallmann Syndrome 5. Last evaluated: 2018-01-13. Review status: criteria provided, single submitter. Criteria: ICSL Variant Classification Criteria 13 December 2019. Collection method: clinical testing. Allele origin: germline.